The following is an entry in ClinVar:

NM_002661.5(PLCG2):c.2187G>A (p.Met729Ile)

Gene: PLCG2 (phospholipase C gamma 2; plus strand). Cytogenetic location: 16q23.3.
Variant type: single nucleotide variant.
Coding change: c.2187G>A on transcript NM_002661.5 (MANE Select); coding-DNA position 2187, G replaced by A.
Protein change: p.Met729Ile; replaces methionine 729 with isoleucine.
Molecular consequence: missense variant.
Genome position (GRCh38, 1-based): chr16:81,919,616, G>A. VCF-style: chr16-81919616-G-A. GRCh37 (hg19) VCF-style: chr16-81953221-G-A.
Other names: short protein forms M729I.
Identifiers: ClinVar variation 1943215 (VCV001943215.5), dbSNP rs1160757509, ClinGen allele CA396902088.

ClinVar aggregate classification (germline): Uncertain significance (1 of 4 stars; one submission).

Conditions:
Familial cold autoinflammatory syndrome 3 (FCAS3). Also called: FAMILIAL ATYPICAL COLD URTICARIA; ANTIBODY DEFICIENCY AND IMMUNE DYSREGULATION, PLCG2-ASSOCIATED. Identifiers: Orphanet 300359, MedGen C3280914, MONDO:0013766, OMIM 614468.

Allele frequency attached by ClinVar (database versions not stated): gnomAD exomes below 0.00001.
gnomAD v4.1: 7 of 1,614,194 alleles (0.00043%); highest among the groups gnomAD compares: Admixed American, 0.0017%; no homozygotes.

Submission:

Labcorp Genetics (formerly Invitae), Labcorp
Classification: Uncertain significance for Familial cold autoinflammatory syndrome 3. Last evaluated: 2022-10-20. Review status: criteria provided, single submitter. Criteria: Invitae Variant Classification Sherloc (09022015). Collection method: clinical testing. Allele origin: germline.
Comment: This sequence change replaces methionine, which is neutral and non-polar, with isoleucine, which is neutral and non-polar, at codon 729 of the PLCG2 protein (p.Met729Ile). This variant is present in population databases (no rsID available, gnomAD 0.003%). This variant has not been reported in the literature in individuals affected with PLCG2-related conditions. Algorithms developed to predict the effect of missense changes on protein structure and function (SIFT, PolyPhen-2, Align-GVGD) all suggest that this variant is likely to be tolerated. In summary, the available evidence is currently insufficient to determine the role of this variant in disease. Therefore, it has been classified as a Variant of Uncertain Significance.